The following is an entry in ClinVar:

ClinVar aggregate classification (germline): Conflicting classifications of pathogenicity. Review status: criteria provided, conflicting classifications (1 of 4 stars). 2 submissions from 2 submitters: Uncertain significance (1); Likely benign (1). Last evaluated 2025-09-30.

Conditions:
Inborn genetic diseases. Identifiers: MedGen C0950123, MeSH D030342.

gnomAD v4.1: 3 of 1,614,210 alleles (0.00019%); highest among the groups gnomAD compares: East Asian, 0.0045%; no homozygotes.

Submissions (2):

Ambry Genetics
Classification: Likely benign for Inborn genetic diseases. Last evaluated: 2025-09-30. Review status: criteria provided, single submitter. Criteria: Ambry Variant Classification Scheme 2023. Collection method: clinical testing. Allele origin: germline.

GeneDx
Classification: Uncertain significance. Last evaluated: 2025-03-05. Review status: criteria provided, single submitter. Criteria: GeneDx Variant Classification Process June 2021. Collection method: clinical testing. Allele origin: germline. Affected: yes.
Comment: Not observed at significant frequency in large population cohorts (gnomAD); In silico analysis indicates that this missense variant does not alter protein structure/function; Has not been previously published as pathogenic or benign to our knowledge; This variant is associated with the following publications: (PMID: 28555414, 28637624)

NM_001987.5(ETV6):c.604C>G (p.Arg202Gly)

Gene: ETV6 (ETS variant transcription factor 6; plus strand). Cytogenetic location: 12p13.2.
Variant type: single nucleotide variant.
Coding change: c.604C>G on transcript NM_001987.5 (MANE Select); coding-DNA position 604, C replaced by G.
Protein change: p.Arg202Gly; replaces arginine 202 with glycine.
Molecular consequence: missense variant.
Genome position (GRCh38, 1-based): chr12:11,869,564, C>G. VCF-style: chr12-11869564-C-G. GRCh37 (hg19) VCF-style: chr12-12022498-C-G.
Other names: c.601C>G, p.Arg201Gly (NM_001413913.1); c.577C>G, p.Arg193Gly (NM_001413914.1); c.340C>G, p.Arg114Gly (NM_001413915.1); c.604C>G, p.Arg202Gly (NM_001413916.1, NM_001413917.1); short protein forms R114G, R193G, R201G, R202G.
Identifiers: ClinVar variation 4082874 (VCV004082874.2).